The following is an entry in ClinVar:

ClinVar aggregate classification (germline): Pathogenic (1 of 4 stars; one submission).

Conditions:
Severe myoclonic epilepsy in infancy (DRVT). Also called: Dravet syndrome; Epileptic encephalopathy, early infantile, 6 (Dravet syndrome); SEVERE MYOCLONIC EPILEPSY OF INFANCY; DEVELOPMENTAL AND EPILEPTIC ENCEPHALOPATHY 6A; Severe Myoclonic Epilepsy in Infancy (SMEI). Identifiers: Orphanet 33069, MedGen C0751122, MONDO:0100135, OMIM 607208.

Submission:

3billion
Classification: Pathogenic for Severe myoclonic epilepsy in infancy. Last evaluated: 2023-08-01. Review status: criteria provided, single submitter. Criteria: ACMG Guidelines, 2015. Collection method: clinical testing. Allele origin: germline. Affected: yes.
Comment: The variant is not observed in the gnomAD v2.1.1 dataset. Predicted Consequence/Location: Stop-gained (nonsense): predicted to result in a loss or disruption of normal protein function through nonsense-mediated decay (NMD) or protein truncation. Multiple pathogenic variants are reported downstream of the variant. The variant has been reported to be associated with SCN1A-related disorder (PMID: 28837158). Therefore, this variant is classified as Pathogenic according to the recommendation of ACMG/AMP guideline.

Literature cited by the submitters: PubMed 28837158.

NM_001165963.4(SCN1A):c.332T>A (p.Leu111Ter)

Gene: SCN1A (sodium voltage-gated channel alpha subunit 1; minus strand). Cytogenetic location: 2q24.3.
Variant type: single nucleotide variant.
Coding change: c.332T>A on transcript NM_001165963.4 (MANE Select); coding-DNA position 332, T replaced by A.
Protein change: p.Leu111Ter; replaces leucine 111 with a stop codon.
Molecular consequence: nonsense. On other transcripts: 5 prime UTR variant (1), non-coding transcript variant (1).
Genome position (GRCh38, 1-based): chr2:166,058,621, A>T on the plus strand (T>A on the coding strand, the complement: SCN1A is on the minus strand). VCF-style: chr2-166058621-A-T. GRCh37 (hg19) VCF-style: chr2-166915131-A-T.
Other names: c.332T>A, p.Leu111Ter (NM_001165964.3, NM_001202435.3, NM_001353948.2 and 10 more transcripts); c.-2094T>A (NM_001353961.2); short protein forms L111*.
Identifiers: ClinVar variation 3775405 (VCV003775405.1).